The following is an entry in ClinVar:

ClinVar aggregate classification (germline): Uncertain significance (1 of 4 stars; one submission).

Allele frequency attached by ClinVar (database versions not stated): gnomAD exomes below 0.00001; TOPMed below 0.00001.
gnomAD v4.1: 2 of 1,614,160 alleles (0.00012%); highest among the groups gnomAD compares: Non-Finnish European, 0.00017%; no homozygotes.

Submission:

Labcorp Genetics (formerly Invitae), Labcorp
Classification: Uncertain significance. Last evaluated: 2024-05-15. Review status: criteria provided, single submitter. Criteria: Invitae Variant Classification Sherloc (09022015). Collection method: clinical testing. Allele origin: germline.
Comment: This sequence change replaces histidine, which is basic and polar, with asparagine, which is neutral and polar, at codon 1086 of the RUSC2 protein (p.His1086Asn). This variant is not present in population databases (gnomAD no frequency). This variant has not been reported in the literature in individuals affected with RUSC2-related conditions. ClinVar contains an entry for this variant (Variation ID: 1467760). An algorithm developed to predict the effect of missense changes on protein structure and function (PolyPhen-2) suggests that this variant is likely to be disruptive. In summary, the available evidence is currently insufficient to determine the role of this variant in disease. Therefore, it has been classified as a Variant of Uncertain Significance.

NM_014806.5(RUSC2):c.3256C>A (p.His1086Asn)

Gene: RUSC2 (RUN and SH3 domain containing 2; plus strand). Cytogenetic location: 9p13.3.
Variant type: single nucleotide variant.
Coding change: c.3256C>A on transcript NM_014806.5 (MANE Select); coding-DNA position 3256, C replaced by A.
Protein change: p.His1086Asn; replaces histidine 1086 with asparagine.
Molecular consequence: missense variant. On other transcripts: non-coding transcript variant (1).
Genome position (GRCh38, 1-based): chr9:35,558,482, C>A. VCF-style: chr9-35558482-C-A. GRCh37 (hg19) VCF-style: chr9-35558479-C-A.
Other names: c.3256C>A, p.His1086Asn (NM_001135999.2); c.622C>A, p.His208Asn (NM_001330740.2); short protein forms H1086N, H208N.
Identifiers: ClinVar variation 1467760 (VCV001467760.8), dbSNP rs1261710817, ClinGen allele CA373349205.